The following is an entry in ClinVar:

ClinVar aggregate classification (germline): Conflicting classifications of pathogenicity. Review status: criteria provided, conflicting classifications (1 of 4 stars). 10 submissions from 6 submitters: Uncertain significance (2); Benign (6); Likely benign (1). 1 of the submissions does not count toward it. Last evaluated 2021-07-01.

Conditions:
Diabetes mellitus, permanent neonatal 3. Also called: ABCC8-Related Permanent Neonatal Diabetes Mellitus. Identifiers: MedGen C5394303, MONDO:0030088, OMIM 618857.
Transitory neonatal diabetes mellitus. Also called: Transient neonatal diabetes mellitus. Identifiers: MedGen C0342273, MONDO:0020525, HP:0008255.
Maturity-onset diabetes of the young (MODY). Also called: Maturity onset diabetes mellitus in young. Identifiers: Orphanet 552, MedGen C0342276, MONDO:0018911, HP:0004904.
Diabetes mellitus, transient neonatal, 2 (TNDM2). Identifiers: Orphanet 99886, MedGen C1835887, MONDO:0012480, OMIM 610374. Disease mechanism: loss of function.
Leucine-induced hypoglycemia (LIH). Also called: LEUCINE-SENSITIVE HYPOGLYCEMIA OF INFANCY. Identifiers: MedGen C0271714, MONDO:0009415, OMIM 240800.
Hyperinsulinemic hypoglycemia, familial, 1 (HHF1). Also called: Persistent hyperinsulinemic hypoglycemia of infancy; NESIDIOBLASTOSIS OF PANCREAS; Persistent Hyperinsulinemia Hypoglycemia of Infancy; HYPERINSULINISM, FAMILIAL, WITH PANCREATIC NESIDIOBLASTOSIS; HYPOGLYCEMIA, HYPERINSULINEMIC, OF INFANCY. Identifiers: Orphanet 276575, Orphanet 276598, MedGen C2931832, MONDO:0009734, OMIM 256450.

Allele frequency attached by ClinVar (database versions not stated): gnomAD exomes 0.36067; 1000 Genomes Project 0.42153; 1000 Genomes Project 30x 0.43926; gnomAD 0.44134 and 0.45032; ExAC 0.45834; TOPMed 0.46893; ESP Exome Variant Server 0.47038.
gnomAD v4.1: 549,152 of 1,557,306 alleles (35%); highest among the groups gnomAD compares: African/African-American, 74%; 105,799 homozygotes.

Submissions (10):

Pars Genome Lab
Classification: Benign for Leucine-induced hypoglycemia. Last evaluated: 2021-07-01. Review status: criteria provided, single submitter. Criteria: ACMG Guidelines, 2015. Collection method: clinical testing. Allele origin: germline. Affected: no.

Pars Genome Lab
Classification: Benign for Hyperinsulinemic hypoglycemia, familial, 1. Last evaluated: 2021-07-01. Review status: criteria provided, single submitter. Criteria: ACMG Guidelines, 2015. Collection method: clinical testing. Allele origin: germline. Affected: no.

Pars Genome Lab
Classification: Benign for Diabetes mellitus, transient neonatal, 2. Last evaluated: 2021-07-01. Review status: criteria provided, single submitter. Criteria: ACMG Guidelines, 2015. Collection method: clinical testing. Allele origin: germline. Affected: no.

Pars Genome Lab
Classification: Benign for Diabetes mellitus, permanent neonatal 3. Last evaluated: 2021-07-01. Review status: criteria provided, single submitter. Criteria: ACMG Guidelines, 2015. Collection method: clinical testing. Allele origin: germline. Affected: no.

Mayo Clinic Laboratories, Mayo Clinic
Classification: Benign. Last evaluated: 2021-04-07. Review status: criteria provided, single submitter. Criteria: ACMG Guidelines, 2015. Collection method: clinical testing. Allele origin: germline. Observed: 1 variant allele.

GeneDx
Classification: Benign. Last evaluated: 2018-08-09. Review status: criteria provided, single submitter. Criteria: GeneDx Variant Classification Process June 2021. Collection method: clinical testing. Allele origin: germline. Affected: yes.

Blueprint Genetics
Classification: Likely benign. Last evaluated: 2018-06-25. Review status: criteria provided, single submitter. Criteria: ACMG Guidelines, 2015. Collection method: clinical testing. Allele origin: germline.

Clinical Genomics, Uppaluri K&H Personalized Medicine Clinic
Classification: Uncertain significance for Maturity-onset diabetes of the young. Review status: criteria provided, single submitter. Criteria: K & H Uppaluri Personalized Medicine Clinic Variant Classification & Assertion Criteria_Updated V.1. Collection method: research. Allele origin: somatic. Inheritance: Somatic mutation.
Comment: Mutations in ABCC8 gene are associated with both neonatal diabetes mellitus as well as MODY. Patients with this mutation may have a better response to sulfonylureas. However, no sufficient evidence is found to ascertain the role of this particular variant (rs739689) in MODY yet.

Clinical Genomics, Uppaluri K&H Personalized Medicine Clinic
Classification: Uncertain significance for Transitory neonatal diabetes mellitus. Review status: criteria provided, single submitter. Criteria: K & H Uppaluri Personalized Medicine Clinic Variant Classification & Assertion Criteria_Updated V.1. Collection method: research. Allele origin: somatic. Inheritance: Somatic mutation.
Comment: Mutations in ABCC8 gene are associated with both neonatal diabetes mellitus as well as MODY. Patients with this mutation may have a better response to sulfonylureas. However, no sufficient evidence is found to ascertain the role of this particular variant (rs739689 ) in neonatal diabetes yet.

Genetic Services Laboratory, University of Chicago
Classification: Likely benign. Review status: no assertion criteria provided. Collection method: clinical testing. Allele origin: germline. Inheritance: Autosomal unknown. Not counted in ClinVar's aggregate classification.
Comment: Likely benign based on allele frequency in 1000 Genomes Project or ESP global frequency and its presence in a patient with a rare or unrelated disease phenotype. NOT Sanger confirmed

Literature cited by the submitters: PubMed 16885549 (cited by Clinical Genomics, Uppaluri K&H Personalized Medicine Clinic); PubMed 21989597 (cited by Clinical Genomics, Uppaluri K&H Personalized Medicine Clinic); PubMed 27538677 (cited by Clinical Genomics, Uppaluri K&H Personalized Medicine Clinic); PubMed 18981553 (cited by Clinical Genomics, Uppaluri K&H Personalized Medicine Clinic); PubMed 32027066 (cited by Clinical Genomics, Uppaluri K&H Personalized Medicine Clinic); PubMed 16613899 (cited by Clinical Genomics, Uppaluri K&H Personalized Medicine Clinic); PubMed 18025408 (cited by Clinical Genomics, Uppaluri K&H Personalized Medicine Clinic); PubMed 32792356 (cited by Clinical Genomics, Uppaluri K&H Personalized Medicine Clinic).

NM_000352.6(ABCC8):c.4120-27T>C

Gene: ABCC8 (ATP binding cassette subfamily C member 8; minus strand). Cytogenetic location: 11p15.1.
Variant type: single nucleotide variant.
Coding change: c.4120-27T>C on transcript NM_000352.6 (MANE Select); 27 bases into the intron before coding-DNA position 4120, T replaced by C.
Molecular consequence: intron variant.
Genome position (GRCh38, 1-based): chr11:17,395,957, A>G on the plus strand (T>C on the coding strand, the complement: ABCC8 is on the minus strand). VCF-style: chr11-17395957-A-G. GRCh37 (hg19) VCF-style: chr11-17417504-A-G.
Other names: p.?; c.4117-27T>C (NM_001351297.2); c.4120-27T>C (NM_001351296.2); c.4186-27T>C (NM_001351295.2); c.4123-27T>C (NM_001287174.3).
Identifiers: ClinVar variation 157700 (VCV000157700.12), dbSNP rs739689, ClinGen allele CA171081.